The following is an entry in ClinVar:

ClinVar aggregate classification (germline): Uncertain significance. Review status: criteria provided, multiple submitters, no conflicts (2 of 4 stars). 3 submissions from 3 submitters: Uncertain significance (3). Last evaluated 2025-10-17.

Conditions:
Very long chain acyl-CoA dehydrogenase deficiency (ACADVLD). Also called: VLCAD Deficiency; Very Long-Chain Acyl-Coenzyme A Dehydrogenase Deficiency. Identifiers: Orphanet 26793, MedGen C3887523, MONDO:0008723, OMIM 201475.

Allele frequency attached by ClinVar (database versions not stated): TOPMed below 0.00001; gnomAD 0.00001; gnomAD exomes 0.00001.
gnomAD v4.1: 15 of 1,613,670 alleles (0.00093%); highest among the groups gnomAD compares: South Asian, 0.0044%; no homozygotes.

Submissions (3):

Myriad Genetics, Inc.
Classification: Uncertain significance for Very long chain acyl-CoA dehydrogenase deficiency. Last evaluated: 2025-10-17. Review status: criteria provided, single submitter. Criteria: Myriad Autosomal Dominant, Autosomal Recessive and X-Linked Classification Criteria (2023). Collection method: clinical testing. Allele origin: unknown.
Comment: NM_000018.3(ACADVL):c.1535G>A(R512Q) is a missense variant classified as a variant of uncertain significance in the context of very-long-chain acyl-CoA dehydrogenase deficiency. R512Q has not been observed in cases with relevant disease. Relevant functional assessments of this variant are not available in the literature. R512Q has been observed in referenced population frequency databases. In summary, there is insufficient evidence to classify NM_000018.3(ACADVL):c.1535G>A(R512Q) as pathogenic or benign. Please note: this variant was assessed in the context of healthy population screening.

Labcorp Genetics (formerly Invitae), Labcorp
Classification: Uncertain significance for Very long chain acyl-CoA dehydrogenase deficiency. Last evaluated: 2024-10-24. Review status: criteria provided, single submitter. Criteria: Invitae Variant Classification Sherloc (09022015). Collection method: clinical testing. Allele origin: germline.
Comment: This sequence change replaces arginine, which is basic and polar, with glutamine, which is neutral and polar, at codon 512 of the ACADVL protein (p.Arg512Gln). This variant is present in population databases (no rsID available, gnomAD 0.007%). This missense change has been observed in individual(s) with a positive newborn screening result for ACADVL-related disease (internal data). ClinVar contains an entry for this variant (Variation ID: 1163408). An algorithm developed to predict the effect of missense changes on protein structure and function outputs the following: PolyPhen-2: "Benign". The glutamine amino acid residue is found in multiple mammalian species, which suggests that this missense change does not adversely affect protein function. Algorithms developed to predict the effect of sequence changes on RNA splicing suggest that this variant may create or strengthen a splice site. In summary, the available evidence is currently insufficient to determine the role of this variant in disease. Therefore, it has been classified as a Variant of Uncertain Significance.

Mayo Clinic Laboratories, Mayo Clinic
Classification: Uncertain significance. Last evaluated: 2019-04-01. Review status: criteria provided, single submitter. Criteria: ACMG Guidelines, 2015. Collection method: clinical testing. Allele origin: germline. Observed: 1 variant allele.

NM_000018.4(ACADVL):c.1535G>A (p.Arg512Gln)

Gene: ACADVL (acyl-CoA dehydrogenase very long chain; plus strand). Cytogenetic location: 17p13.1.
Variant type: single nucleotide variant.
Coding change: c.1535G>A on transcript NM_000018.4 (MANE Select); coding-DNA position 1535, G replaced by A.
Protein change: p.Arg512Gln; replaces arginine 512 with glutamine.
Molecular consequence: missense variant.
Genome position (GRCh38, 1-based): chr17:7,224,323, G>A. VCF-style: chr17-7224323-G-A. GRCh37 (hg19) VCF-style: chr17-7127642-G-A.
Other names: c.1469G>A, p.Arg490Gln (NM_001033859.3); c.1604G>A, p.Arg535Gln (NM_001270447.2); c.1307G>A, p.Arg436Gln (NM_001270448.2); short protein forms R436Q, R490Q, R512Q, R535Q.
Identifiers: ClinVar variation 1163408 (VCV001163408.9), dbSNP rs1363658463, ClinGen allele CA397725329.
Genomic context (GRCh38, chr17:7,224,323, plus strand): 5'-CAGGGGAGGGCAGGGTGGTGTATGGCAACTAACCAGTCATTCTCCCTCTTCCTCTCAGGC[G>A]GGCAGGGCTGGGCAGCGGCCTGAGTCTCAGCGGACTTGTCCACCCGGAGTTGAGTCGGAG-3'
Protein context (NP_000009.1, residues 502-522): LGEAGKQLRR[Arg512Gln]AGLGSGLSLS